The following is an entry in ClinVar:

ClinVar aggregate classification (germline): Uncertain significance. Review status: criteria provided, single submitter (1 of 4 stars). 2 submissions from 2 submitters: Uncertain significance (1). 1 of the submissions does not count toward it. Last evaluated 2024-12-11.

Conditions:
Retinal dystrophy. Also called: Inherited retinal dystrophy. Identifiers: Orphanet 71862, MedGen C0854723, MeSH D058499, MONDO:0019118, HP:0000556.

Submissions (2):

GeneDx
Classification: Uncertain significance. Last evaluated: 2024-12-11. Review status: criteria provided, single submitter. Criteria: GeneDx Variant Classification Process June 2021. Collection method: clinical testing. Allele origin: germline. Affected: yes.
Comment: Not observed at significant frequency in large population cohorts (gnomAD); In silico analysis supports that this missense variant has a deleterious effect on protein structure/function; Has not been previously published as pathogenic or benign to our knowledge

Institute of Human Genetics, Univ. Regensburg, Univ. Regensburg
Classification: Uncertain significance for Retinal dystrophy. Last evaluated: 2023-01-01. Review status: no assertion criteria provided. Criteria: ACMG Guidelines, 2015. Collection method: clinical testing. Allele origin: germline. Affected: yes. Not counted in ClinVar's aggregate classification.

NM_022124.6(CDH23):c.4657A>G (p.Thr1553Ala)

Gene: CDH23 (cadherin related 23; plus strand). Cytogenetic location: 10q22.1.
Variant type: single nucleotide variant.
Coding change: c.4657A>G on transcript NM_022124.6 (MANE Select); coding-DNA position 4657, A replaced by G.
Protein change: p.Thr1553Ala; replaces threonine 1553 with alanine.
Molecular consequence: missense variant.
Genome position (GRCh38, 1-based): chr10:71,741,733, A>G. VCF-style: chr10-71741733-A-G. GRCh37 (hg19) VCF-style: chr10-73501490-A-G.
Other names: c.4657A>G (NM_022124.5); short protein forms T1553A.
Identifiers: ClinVar variation 3249684 (VCV003249684.2).
Genomic context (GRCh38, chr10:71,741,733, plus strand): 5'-GCTCTCCTGCTCTCCTCCCAGAACGTGGGTGGAGGTACTGCTGTGGTCCAGGTGAGAGCC[A>G]CTGACCGTGACATCGGGATCAACAGTGTTCTGTCCTACTACATCACCGAGGGCAACAAGG-3'
Protein context (NP_071407.4, residues 1543-1563): GGTAVVQVRA[Thr1553Ala]DRDIGINSVL